The following is an entry in ClinVar:

ClinVar aggregate classification (germline): Conflicting classifications of pathogenicity. Review status: criteria provided, conflicting classifications (1 of 4 stars). 8 submissions from 8 submitters: Uncertain significance (6); Benign (1). 1 of the submissions does not count toward it. Last evaluated 2026-01-27.

Conditions:
MUTYH-related disorder. Also called: MUTYH-related condition; MUTYH-related disorders.
Hereditary cancer-predisposing syndrome. Also called: Neoplastic Syndromes, Hereditary; Tumor predisposition; Hereditary neoplastic syndrome; Hereditary Cancer Syndrome. Identifiers: Orphanet 140162, MedGen C0027672, MeSH D009386, MONDO:0015356.
Familial adenomatous polyposis 2. Also called: FAP type 2; MUTYH-related attenuated familial adenomatous polyposis; Adenomas, multiple colorectal; MUTYH-associated polyposis; MUTYH Polyposis; ADENOMAS, MULTIPLE COLORECTAL, AUTOSOMAL RECESSIVE. Identifiers: Orphanet 220460, Orphanet 247798, MedGen C3272841, MONDO:0012041, OMIM 608456.

Allele frequency attached by ClinVar (database versions not stated): gnomAD 0.00001; TOPMed 0.00002; gnomAD exomes 0.00004.
gnomAD v4.1: 8 of 1,614,042 alleles (0.0005%); highest among the groups gnomAD compares: East Asian, 0.016%; no homozygotes.

Submissions (8):

Labcorp Genetics (formerly Invitae), Labcorp
Classification: Uncertain significance for Familial adenomatous polyposis 2. Last evaluated: 2026-01-27. Review status: criteria provided, single submitter. Criteria: Invitae Variant Classification Sherloc (09022015). Collection method: clinical testing. Allele origin: germline.
Comment: This sequence change replaces threonine, which is neutral and polar, with isoleucine, which is neutral and non-polar, at codon 256 of the MUTYH protein (p.Thr256Ile). This variant is present in population databases (rs766173546, gnomAD 0.06%). This variant has not been reported in the literature in individuals affected with MUTYH-related conditions. ClinVar contains an entry for this variant (Variation ID: 464738). An algorithm developed to predict the effect of missense changes on protein structure and function (PolyPhen-2) suggests that this variant is likely to be tolerated. In summary, the available evidence is currently insufficient to determine the role of this variant in disease. Therefore, it has been classified as a Variant of Uncertain Significance.

Ambry Genetics
Classification: Benign for Hereditary cancer-predisposing syndrome. Last evaluated: 2025-09-16. Review status: criteria provided, single submitter. Criteria: Ambry Variant Classification Scheme 2023. Collection method: clinical testing. Allele origin: germline.

Color Diagnostics, LLC DBA Color Health
Classification: Uncertain significance for Hereditary cancer-predisposing syndrome. Last evaluated: 2023-09-18. Review status: criteria provided, single submitter. Criteria: ACMG Guidelines, 2015. Collection method: clinical testing. Allele origin: germline.
Comment: This missense variant replaces threonine with isoleucine at codon 256 of the MUTYH protein. Computational prediction suggests that this variant may not impact protein structure and function (internally defined REVEL score threshold <= 0.5, PMID: 27666373). To our knowledge, functional studies have not been reported for this variant. This variant has not been reported in individuals affected with MUTYH-related disorders in the literature. This variant has been identified in 11/281868 chromosomes in the general population by the Genome Aggregation Database (gnomAD). The available evidence is insufficient to determine the role of this variant in disease conclusively. Therefore, this variant is classified as a Variant of Uncertain Significance.

All of Us Research Program, National Institutes of Health
Classification: Uncertain significance for Familial adenomatous polyposis 2. Last evaluated: 2023-05-31. Review status: criteria provided, single submitter. Criteria: ACMG Guidelines, 2015. Collection method: clinical testing. Allele origin: germline. Inheritance: Autosomal recessive inheritance. Observed: 1 variant allele, 1 heterozygote.
Comment: This missense variant replaces threonine with isoleucine at codon 256 of the MUTYH protein. Computational prediction suggests that this variant may not impact protein structure and function (internally defined REVEL score threshold <= 0.5, PMID: 27666373). To our knowledge, functional studies have not been reported for this variant. This variant has not been reported in individuals affected with hereditary cancer in the literature. This variant has been identified in 11/281868 chromosomes in the general population by the Genome Aggregation Database (gnomAD). The available evidence is insufficient to determine the role of this variant in disease conclusively. Therefore, this variant is classified as a Variant of Uncertain Significance.

This study involves interpretation of variants in research participants for the purpose of population health screening. Participant phenotype was not available at the time of variant classification. Additional details can be found in publication PMID: 35346344, PMCID: PMC8962531

Quest Diagnostics Nichols Institute San Juan Capistrano
Classification: Uncertain significance. Last evaluated: 2023-02-08. Review status: criteria provided, single submitter. Criteria: Quest Diagnostics criteria. Collection method: clinical testing. Allele origin: unknown.
Comment: The frequency of this variant in the general population, 0.00055 (11/19906 chromosomes), is uninformative in assessment of its pathogenicity. In the published literature, the variant has been reported in individuals with breast cancer as well as in unaffected controls in a breast cancer association study (PMID: 33471991 (2021), see also LOVD). Analysis of this variant using a bioinformatics tool for the prediction of the effect of amino acid changes on protein structure and function yielded a prediction that this variant is benign. Based on the available information, we are unable to determine the clinical significance of this variant.

St. Jude Molecular Pathology, St. Jude Children's Research Hospital
Classification: Uncertain significance for Familial adenomatous polyposis 2. Last evaluated: 2022-10-06. Review status: criteria provided, single submitter. Criteria: St. Jude Assertion Criteria 2020. Collection method: clinical testing. Allele origin: germline.
Comment: The MUTYH c.767C>T (p.Thr256Ile) missense change has a maximum subpopulation frequency of 0.055% in gnomAD v2.1.1. The in silico tool REVEL predicts a benign effect on protein function, but to our knowledge this prediction has not been confirmed by functional studies. To our knowledge, this variant has not been reported in individuals with MUTYH-associated polyposis. In summary, the evidence currently available is insufficient to determine the clinical significance of this variant. It has therefore been classified as of uncertain significance.

GeneDx
Classification: Uncertain significance. Last evaluated: 2019-08-09. Review status: criteria provided, single submitter. Criteria: GeneDx Variant Classification Process June 2021. Collection method: clinical testing. Allele origin: germline. Affected: yes.
Comment: In silico analysis, which includes protein predictors and evolutionary conservation, supports that this variant does not alter protein structure/function; Has not been previously published as pathogenic or benign to our knowledge

PreventionGenetics, part of Exact Sciences
Classification: Uncertain significance for MUTYH-related condition. Last evaluated: 2024-02-14. Review status: no assertion criteria provided. Collection method: clinical testing. Allele origin: germline. Not counted in ClinVar's aggregate classification.
Comment: The MUTYH c.767C>T variant is predicted to result in the amino acid substitution p.Thr256Ile. To our knowledge, this variant has not been reported in the literature. This variant is reported in 0.055% of alleles in individuals of East Asian descent in gnomAD. This variant is interpreted as uncertain in ClinVar. Although we suspect that this variant may be benign, at this time, the clinical significance of this variant is uncertain due to the absence of conclusive functional and genetic evidence.

Literature cited by the submitters: PubMed 33471991 (cited by Quest Diagnostics Nichols Institute San Juan Capistrano).

NM_001048174.2(MUTYH):c.683C>T (p.Thr228Ile)

Gene: MUTYH (mutY DNA glycosylase; minus strand). Cytogenetic location: 1p34.1.
Variant type: single nucleotide variant.
Coding change: c.683C>T on transcript NM_001048174.2 (MANE Select); coding-DNA position 683, C replaced by T.
Protein change: p.Thr228Ile; replaces threonine 228 with isoleucine.
Molecular consequence: missense variant. On other transcripts: non-coding transcript variant (2).
Genome position (GRCh38, 1-based): chr1:45,332,412, G>A on the plus strand (C>T on the coding strand, the complement: MUTYH is on the minus strand). VCF-style: chr1-45332412-G-A. GRCh37 (hg19) VCF-style: chr1-45798084-G-A.
Other names: c.683C>T, p.Thr228Ile (NM_001048171.2, NM_001048173.2, NM_001293195.2); c.686C>T, p.Thr229Ile (NM_001048172.2); c.767C>T, p.Thr256Ile (NM_001128425.2); c.728C>T, p.Thr243Ile (NM_001293190.2); c.716C>T, p.Thr239Ile (NM_001293191.2); c.407C>T, p.Thr136Ile (NM_001293192.2, NM_001293196.2); c.338C>T, p.Thr113Ile (NM_001350650.2, NM_001350651.2); c.758C>T, p.Thr253Ile (NM_012222.3); short protein forms T256I, T229I, T239I, T243I, T113I, T136I, T228I, T253I.
Identifiers: ClinVar variation 464738 (VCV000464738.24), dbSNP rs766173546, ClinGen allele CA059024.
Genomic context (GRCh38, chr1:45,332,412, plus strand): 5'-AGACACCCCTGAAGCACCCTTGTTACCCCAACATCCTACCAGAGCTGCTGGGAAACAAGG[G>A]TGCTGCTGGGATCAGCACCAATGGCTCGGACACGGCACAGCACCCGTGCTACGTTGCCAT-3'
Protein context (NP_001041639.1, residues 218-238): VRAIGADPSS[Thr228Ile]LVSQQLWGLA